The following is an entry in ClinVar:

NM_001371986.1(UNC80):c.3373G>T (p.Ala1125Ser)

Gene: UNC80 (unc-80 subunit of NALCN channel complex; plus strand). Cytogenetic location: 2q34.
Variant type: single nucleotide variant.
Coding change: c.3373G>T on transcript NM_001371986.1 (MANE Select); coding-DNA position 3373, G replaced by T.
Protein change: p.Ala1125Ser; replaces alanine 1125 with serine.
Molecular consequence: missense variant.
Genome position (GRCh38, 1-based): chr2:209,842,365, G>T. VCF-style: chr2-209842365-G-T. GRCh37 (hg19) VCF-style: chr2-210707089-G-T.
Other names: c.3379G>T, p.Ala1127Ser (NM_032504.2); c.3364G>T, p.Ala1122Ser (NM_182587.4); short protein forms A1125S, A1127S, A1122S.
Identifiers: ClinVar variation 1427354 (VCV001427354.6), dbSNP rs1360787915, ClinGen allele CA350731937.

ClinVar aggregate classification (germline): Uncertain significance (1 of 4 stars; one submission).

gnomAD v4.1: 2 of 1,549,654 alleles (0.00013%); highest among the groups gnomAD compares: Non-Finnish European, 0.00017%; no homozygotes.

Submission:

Labcorp Genetics (formerly Invitae), Labcorp
Classification: Uncertain significance. Last evaluated: 2020-12-03. Review status: criteria provided, single submitter. Criteria: Invitae Variant Classification Sherloc (09022015). Collection method: clinical testing. Allele origin: germline.
Comment: In summary, the available evidence is currently insufficient to determine the role of this variant in disease. Therefore, it has been classified as a Variant of Uncertain Significance. Algorithms developed to predict the effect of missense changes on protein structure and function are either unavailable or do not agree on the potential impact of this missense change (SIFT: "Not Available"; PolyPhen-2: "Probably Damaging"; Align-GVGD: "Not Available"). This variant has not been reported in the literature in individuals with UNC80-related conditions. This variant is not present in population databases (ExAC no frequency). This sequence change replaces alanine with serine at codon 1127 of the UNC80 protein (p.Ala1127Ser). The alanine residue is weakly conserved and there is a moderate physicochemical difference between alanine and serine.